The following is an entry in ClinVar:

NM_001718.6(BMP6):c.1104G>C (p.Val368=)

Gene: BMP6 (bone morphogenetic protein 6; plus strand). Cytogenetic location: 6p24.3.
Variant type: single nucleotide variant.
Coding change: c.1104G>C on transcript NM_001718.6 (MANE Select); coding-DNA position 1104, G replaced by C.
Protein change: p.Val368=; no amino-acid change (valine 368 retained).
Molecular consequence: synonymous variant.
Genome position (GRCh38, 1-based): chr6:7,862,398, G>C. VCF-style: chr6-7862398-G-C. GRCh37 (hg19) VCF-style: chr6-7862631-G-C.
Identifiers: ClinVar variation 3059297 (VCV003059297.2), dbSNP rs17557, ClinGen allele CA3628835.

ClinVar aggregate classification (germline): Benign (0 of 4 stars; one submission).

Conditions:
BMP6-related disorder. Also called: BMP6-related condition.

Allele frequency attached by ClinVar (database versions not stated): ExAC 0.46370; ESP Exome Variant Server 0.48239; gnomAD 0.50282; TOPMed 0.52772; 1000 Genomes Project 30x 0.59525; 1000 Genomes Project 0.59764.
gnomAD v4.1: 671,866 of 1,613,878 alleles (42%); highest among the groups gnomAD compares: East Asian, 76%; 149,286 homozygotes.

Submission:

PreventionGenetics, part of Exact Sciences
Classification: Benign for BMP6-related condition. Last evaluated: 2019-10-17. Review status: no assertion criteria provided. Collection method: clinical testing. Allele origin: germline.
Comment: This variant is classified as benign based on ACMG/AMP sequence variant interpretation guidelines (Richards et al. 2015 PMID: 25741868, with internal and published modifications).